The following is an entry in ClinVar:

ClinVar aggregate classification (germline): Uncertain significance (1 of 4 stars; one submission).

Allele frequency attached by ClinVar (database versions not stated): gnomAD exomes below 0.00001.
gnomAD v4.1: 1 of 1,571,534 alleles (0.000064%); highest among the groups gnomAD compares: Non-Finnish European, 0.000086%; no homozygotes.

Submission:

Labcorp Genetics (formerly Invitae), Labcorp
Classification: Uncertain significance. Last evaluated: 2025-09-16. Review status: criteria provided, single submitter. Criteria: Invitae Variant Classification Sherloc (09022015). Collection method: clinical testing. Allele origin: germline.
Comment: This sequence change replaces glutamic acid, which is acidic and polar, with lysine, which is basic and polar, at codon 1310 of the ALPK3 protein (p.Glu1310Lys). This variant is not present in population databases (gnomAD no frequency). This variant has not been reported in the literature in individuals affected with ALPK3-related conditions. ClinVar contains an entry for this variant (Variation ID: 1462200). Invitae Evidence Modeling of protein sequence and biophysical properties (such as structural, functional, and spatial information, amino acid conservation, physicochemical variation, residue mobility, and thermodynamic stability) indicates that this missense variant is expected to disrupt ALPK3 protein function with a positive predictive value of 80%. In summary, the available evidence is currently insufficient to determine the role of this variant in disease. Therefore, it has been classified as a Variant of Uncertain Significance.

NM_020778.5(ALPK3):c.3322G>A (p.Glu1108Lys)

Gene: ALPK3 (alpha kinase 3; plus strand). Cytogenetic location: 15q25.3.
Variant type: single nucleotide variant.
Coding change: c.3322G>A on transcript NM_020778.5 (MANE Select); coding-DNA position 3322, G replaced by A.
Protein change: p.Glu1108Lys; replaces glutamic acid 1108 with lysine.
Molecular consequence: missense variant.
Genome position (GRCh38, 1-based): chr15:84,858,060, G>A. VCF-style: chr15-84858060-G-A. GRCh37 (hg19) VCF-style: chr15-85401291-G-A.
Other names: short protein forms E1108K.
Identifiers: ClinVar variation 1462200 (VCV001462200.8), dbSNP rs2141568923, ClinGen allele CA393360035.